The following is an entry in ClinVar:

ClinVar aggregate classification (germline): Pathogenic (1 of 4 stars; one submission).

Submission:

Labcorp Genetics (formerly Invitae), Labcorp
Classification: Pathogenic. Last evaluated: 2023-11-25. Review status: criteria provided, single submitter. Criteria: Invitae Variant Classification Sherloc (09022015). Collection method: clinical testing. Allele origin: germline.
Comment: This sequence change creates a premature translational stop signal (p.Glu1493Glyfs*20) in the LOXHD1 gene. It is expected to result in an absent or disrupted protein product. Loss-of-function variants in LOXHD1 are known to be pathogenic (PMID: 19732867, 21465660, 25792669). This variant is not present in population databases (gnomAD no frequency). This variant has not been reported in the literature in individuals affected with LOXHD1-related conditions. For these reasons, this variant has been classified as Pathogenic.

Literature cited by the submitters: PubMed 19732867; PubMed 21465660; PubMed 25792669.

NM_001384474.1(LOXHD1):c.4477dup (p.Glu1493fs)

Gene: LOXHD1 (lipoxygenase homology PLAT domains 1; minus strand). Cytogenetic location: 18q21.1.
Variant type: Duplication.
Coding change: c.4477dup on transcript NM_001384474.1 (MANE Select); coding-DNA position 4477, one base duplicated (G; older notation c.4477dupG).
Protein change: p.Glu1493fs; shifts the reading frame from glutamic acid 1493.
Molecular consequence: frameshift variant.
Genome position (GRCh38, 1-based): chr18:46,529,230, C duplicated on the plus strand (G on the coding strand, the reverse complement: LOXHD1 is on the minus strand); the first of 4 consecutive C bases (chr18:46,529,230-46,529,233); duplicating any one gives the same sequence. VCF-style (leftmost placement, unchanged base first): chr18-46529229-T-TC. GRCh37 (hg19) VCF-style: chr18-44109192-T-TC.
Other names: c.1144dup, p.Glu382fs (NM_001145472.3); c.856dup, p.Glu286fs (NM_001308013.2); c.4477dup, p.Glu1493fs (NM_144612.7); short protein forms E382fs, E286fs, E1493fs.
Identifiers: ClinVar variation 2892781 (VCV002892781.3), dbSNP rs2511637449, ClinGen allele CA2739268716.